The following is an entry in ClinVar:

NM_000492.4(CFTR):c.3740G>A (p.Gly1247Glu)

Genes: CFTR (CF transmembrane conductance regulator; plus strand), CFTR-AS2 (CFTR antisense RNA 2; minus strand). Cytogenetic location: 7q31.2.
Variant type: single nucleotide variant.
Coding change: c.3740G>A on transcript NM_000492.4 (MANE Select); coding-DNA position 3740, G replaced by A.
Protein change: p.Gly1247Glu; replaces glycine 1247 with glutamic acid.
Molecular consequence: missense variant.
Genome position (GRCh38, 1-based): chr7:117,642,460, G>A. VCF-style: chr7-117642460-G-A. GRCh37 (hg19) VCF-style: chr7-117282514-G-A.
Other names: short protein forms G1247E.
Identifiers: ClinVar variation 2759709 (VCV002759709.4), dbSNP rs2485159784, ClinGen allele CA368974496.

ClinVar aggregate classification (germline): Uncertain significance. Review status: criteria provided, multiple submitters, no conflicts (2 of 4 stars). 2 submissions from 2 submitters: Uncertain significance (2). Last evaluated 2023-12-19.

Conditions:
Cystic fibrosis (CF). Also called: MUCOVISCIDOSIS. Identifiers: Orphanet 586, MedGen C0010674, MONDO:0009061, OMIM 219700. Disease mechanism: loss of function.

Submissions (2):

Ambry Genetics
Classification: Uncertain significance for Cystic fibrosis. Last evaluated: 2023-12-19. Review status: criteria provided, single submitter. Criteria: Ambry Variant Classification Scheme 2023. Collection method: clinical testing. Allele origin: germline.
Comment: The p.G1247E variant (also known as c.3740G>A), located in coding exon 23 of the CFTR gene, results from a G to A substitution at nucleotide position 3740. The glycine at codon 1247 is replaced by glutamic acid, an amino acid with similar properties. This amino acid position is highly conserved in available vertebrate species. In addition, this alteration is predicted to be deleterious by in silico analysis. Since supporting evidence is limited at this time, the clinical significance of this alteration remains unclear.

Labcorp Genetics (formerly Invitae), Labcorp
Classification: Uncertain significance for Cystic fibrosis. Last evaluated: 2023-09-10. Review status: criteria provided, single submitter. Criteria: Invitae Variant Classification Sherloc (09022015). Collection method: clinical testing. Allele origin: germline.
Comment: This sequence change replaces glycine, which is neutral and non-polar, with glutamic acid, which is acidic and polar, at codon 1247 of the CFTR protein (p.Gly1247Glu). In summary, the available evidence is currently insufficient to determine the role of this variant in disease. Therefore, it has been classified as a Variant of Uncertain Significance. Advanced modeling of protein sequence and biophysical properties (such as structural, functional, and spatial information, amino acid conservation, physicochemical variation, residue mobility, and thermodynamic stability) performed at Invitae indicates that this missense variant is expected to disrupt CFTR protein function. This variant has not been reported in the literature in individuals affected with CFTR-related conditions. This variant is not present in population databases (gnomAD no frequency).